The following is an entry in ClinVar:

ClinVar aggregate classification (germline): Uncertain significance. Review status: criteria provided, multiple submitters, no conflicts (2 of 4 stars). 2 submissions from 2 submitters: Uncertain significance (2). Last evaluated 2025-11-01.

Allele frequency attached by ClinVar (database versions not stated): ExAC 0.00010; ESP Exome Variant Server 0.00015; gnomAD 0.00015; 1000 Genomes Project 30x 0.00016; 1000 Genomes Project 0.00020; TOPMed 0.00023.
gnomAD v4.1: 125 of 1,614,154 alleles (0.0077%); highest among the groups gnomAD compares: Middle Eastern, 0.082%; no homozygotes.

Submissions (2):

CeGaT Center for Human Genetics Tuebingen
Classification: Uncertain significance. Last evaluated: 2025-11-01. Review status: criteria provided, single submitter. Criteria: CeGaT Center For Human Genetics Tuebingen Variant Classification Criteria Version 2. Collection method: clinical testing. Allele origin: germline. Affected: yes. Observed: 1 variant allele.
Comment: FBXO24: PP3

Ambry Genetics
Classification: Uncertain significance. Last evaluated: 2021-08-09. Review status: criteria provided, single submitter. Criteria: Ambry Variant Classification Scheme 2023. Collection method: clinical testing. Allele origin: germline.

NM_033506.3(FBXO24):c.37C>T (p.Arg13Trp)

Gene: FBXO24 (F-box protein 24; plus strand). Cytogenetic location: 7q22.1.
Variant type: single nucleotide variant.
Coding change: c.37C>T on transcript NM_033506.3 (MANE Select); coding-DNA position 37, C replaced by T.
Protein change: p.Arg13Trp; replaces arginine 13 with tryptophan.
Molecular consequence: missense variant.
Genome position (GRCh38, 1-based): chr7:100,586,662, C>T. VCF-style: chr7-100586662-C-T. GRCh37 (hg19) VCF-style: chr7-100184285-C-T.
Other names: c.37C>T, p.Arg13Trp (NM_012172.3); short protein forms R13W.
Identifiers: ClinVar variation 2329957 (VCV002329957.8), dbSNP rs116312858, ClinGen allele CA4384856.